The following is an entry in ClinVar:

ClinVar aggregate classification (germline): Conflicting classifications of pathogenicity. Review status: criteria provided, conflicting classifications (1 of 4 stars). 6 submissions from 6 submitters: Uncertain significance (5); Likely benign (1). Last evaluated 2026-01-26.

Conditions:
PDGFRA-related disorder. Also called: PDGFRA-related condition.
Polyps, multiple and recurrent inflammatory fibroid, gastrointestinal. Identifiers: MedGen C5193005, MONDO:0008285, OMIM 175510.
Idiopathic hypereosinophilic syndrome (HES). Identifiers: Orphanet 3260, MedGen C0206141, MONDO:0011895, OMIM 607685. Disease mechanism: gain of function.
Hereditary cancer-predisposing syndrome. Also called: Tumor predisposition; Hereditary neoplastic syndrome; Neoplastic Syndromes, Hereditary; Hereditary Cancer Syndrome. Identifiers: Orphanet 140162, MedGen C0027672, MeSH D009386, MONDO:0015356.
Gastrointestinal stromal tumor. Also called: Gastrointestinal stromal tumor, somatic; Gastrointestinal stroma tumor. Identifiers: Orphanet 44890, MedGen C0238198, MeSH D046152, MONDO:0011719, OMIM 606764, HP:0100723.

Allele frequency attached by ClinVar (database versions not stated): gnomAD exomes 0.00001; ExAC 0.00002; gnomAD 0.00002; TOPMed 0.00003.
gnomAD v4.1: 7 of 1,613,848 alleles (0.00043%); highest among the groups gnomAD compares: African/African-American, 0.008%; no homozygotes.

Submissions (6):

Labcorp Genetics (formerly Invitae), Labcorp
Classification: Uncertain significance for Gastrointestinal stromal tumor. Last evaluated: 2026-01-26. Review status: criteria provided, single submitter. Criteria: Invitae Variant Classification Sherloc (09022015). Collection method: clinical testing. Allele origin: germline.
Comment: This sequence change replaces glycine, which is neutral and non-polar, with valine, which is neutral and non-polar, at codon 17 of the PDGFRA protein (p.Gly17Val). This variant is present in population databases (rs766600687, gnomAD 0.01%). This variant has not been reported in the literature in individuals affected with PDGFRA-related conditions. ClinVar contains an entry for this variant (Variation ID: 459107). An algorithm developed to predict the effect of missense changes on protein structure and function (PolyPhen-2) suggests that this variant is likely to be tolerated. Algorithms developed to predict the effect of sequence changes on RNA splicing suggest that this variant may disrupt the consensus splice site. In summary, the available evidence is currently insufficient to determine the role of this variant in disease. Therefore, it has been classified as a Variant of Uncertain Significance.

PreventionGenetics, part of Exact Sciences
Classification: Uncertain significance for PDGFRA-related condition. Last evaluated: 2025-01-09. Review status: criteria provided, single submitter. Criteria: ACMG Guidelines, 2015. Collection method: clinical testing. Allele origin: germline.
Comment: The PDGFRA c.50G>T variant is predicted to result in the amino acid substitution p.Gly17Val. To our knowledge, this variant has not been reported in the literature. This variant is reported in 0.012% of alleles in individuals of African descent in gnomAD and has conflicting interpretations of pathogenicity ranging from likely benign to uncertain in ClinVar. At this time, the clinical significance of this variant is uncertain due to the absence of conclusive functional and genetic evidence.

Ambry Genetics
Classification: Likely benign for Hereditary cancer-predisposing syndrome. Last evaluated: 2024-10-28. Review status: criteria provided, single submitter. Criteria: Ambry Variant Classification Scheme 2023. Collection method: clinical testing. Allele origin: germline.

Women's Health and Genetics/Laboratory Corporation of America, LabCorp
Classification: Uncertain significance. Last evaluated: 2024-04-29. Review status: criteria provided, single submitter. Criteria: LabCorp Variant Classification Summary - May 2015. Collection method: clinical testing. Allele origin: germline.
Comment: Variant summary: PDGFRA c.50G>T (p.Gly17Val) results in a non-conservative amino acid change located in the Immunoglobulin-like domain of the encoded protein sequence. Three of five in-silico tools predict a damaging effect of the variant on protein function. Several computational tools predict a significant impact on normal splicing: Four predict the variant weakens a 3' acceptor site. However, these predictions have yet to be confirmed by functional studies. The variant allele was found at a frequency of 8e-06 in 250998 control chromosomes. The available data on variant occurrences in the general population are insufficient to allow any conclusion about variant significance. To our knowledge, no occurrence of c.50G>T in individuals affected with Polyps, Multiple And Recurrent Inflammatory Fibroid, Gastrointestinal and no experimental evidence demonstrating its impact on protein function have been reported. ClinVar contains an entry for this variant (Variation ID: 459107). Based on the evidence outlined above, the variant was classified as uncertain significance.

Fulgent Genetics
Classification: Uncertain significance for Polyps, multiple and recurrent inflammatory fibroid, gastrointestinal; Idiopathic hypereosinophilic syndrome. Last evaluated: 2024-03-18. Review status: criteria provided, single submitter. Criteria: ACMG Guidelines, 2015. Collection method: clinical testing. Allele origin: germline.

Baylor Genetics
Classification: Uncertain significance for Polyps, multiple and recurrent inflammatory fibroid, gastrointestinal. Last evaluated: 2023-05-03. Review status: criteria provided, single submitter. Criteria: ACMG Guidelines, 2015. Collection method: clinical testing. Allele origin: unknown.

NM_006206.6(PDGFRA):c.50G>T (p.Gly17Val)

Gene: PDGFRA (platelet derived growth factor receptor alpha; plus strand). Cytogenetic location: 4q12.
Variant type: single nucleotide variant.
Coding change: c.50G>T on transcript NM_006206.6 (MANE Select); coding-DNA position 50, G replaced by T.
Protein change: p.Gly17Val; replaces glycine 17 with valine.
Molecular consequence: missense variant.
Genome position (GRCh38, 1-based): chr4:54,261,095, G>T. VCF-style: chr4-54261095-G-T. GRCh37 (hg19) VCF-style: chr4-55127262-G-T.
Other names: c.50G>T, p.Gly17Val (NM_001347827.2, NM_001347829.2); c.125G>T, p.Gly42Val (NM_001347828.2); c.89G>T, p.Gly30Val (NM_001347830.2); c.50G>T (NM_006206.5); short protein forms G17V, G30V, G42V.
Identifiers: ClinVar variation 459107 (VCV000459107.16), dbSNP rs766600687, ClinGen allele CA2922226.